The following is an entry in ClinVar:

NM_000090.4(COL3A1):c.1541C>A (p.Pro514His)

Gene: COL3A1 (collagen type III alpha 1 chain; plus strand). Cytogenetic location: 2q32.2.
Variant type: single nucleotide variant.
Coding change: c.1541C>A on transcript NM_000090.4 (MANE Select); coding-DNA position 1541, C replaced by A.
Protein change: p.Pro514His; replaces proline 514 with histidine.
Molecular consequence: missense variant.
Genome position (GRCh38, 1-based): chr2:188,995,723, C>A. VCF-style: chr2-188995723-C-A. GRCh37 (hg19) VCF-style: chr2-189860449-C-A.
Other names: short protein forms P514H.
Identifiers: ClinVar variation 2897936 (VCV002897936.4), dbSNP rs773096891, ClinGen allele CA074450.
Genomic context (GRCh38, chr2:188,995,723, plus strand): 5'-ATTTTTTTAAAATTTCTTTCACTACTTAGGGTCCTGCTGGAGAGCGTGGTGCTCCAGGCC[C>A]TGCAGGGCCCAGAGGAGCTGCTGGAGAACCTGGCAGAGATGGCGTCCCTGGAGGTCCAGG-3'
Protein context (NP_000081.2, residues 504-524): GPAGERGAPG[Pro514His]AGPRGAAGEP

ClinVar aggregate classification (germline): Uncertain significance. Review status: criteria provided, multiple submitters, no conflicts (2 of 4 stars). 2 submissions from 2 submitters: Uncertain significance (2). Last evaluated 2026-02-05.

Conditions:
Ehlers-Danlos syndrome, type 4 (EDSVASC). Also called: Ehlers-Danlos syndrome vascular type; Ehlers Danlos syndrome, ecchymotic type; Ehlers Danlos syndrome, arterial type; Ehlers Danlos syndrome, Sack-Barabas type; Ehlers-Danlos Syndrome Type IV. Identifiers: Orphanet 286, MedGen C0268338, MONDO:0017314, OMIM 130050.

Allele frequency attached by ClinVar (database versions not stated): gnomAD exomes below 0.00001; gnomAD 0.00001; TOPMed 0.00002; ExAC 0.00005.
gnomAD v4.1: 3 of 1,563,054 alleles (0.00019%); highest among the groups gnomAD compares: African/African-American, 0.0027%; no homozygotes.

Submissions (2):

GeneDx
Classification: Uncertain significance. Last evaluated: 2026-02-05. Review status: criteria provided, single submitter. Criteria: GeneDx Variant Classification Process June 2021. Collection method: clinical testing. Allele origin: germline.
Comment: Not observed at significant frequency in large population cohorts (gnomAD); In silico analysis supports that this missense variant has a deleterious effect on protein structure/function; Has not been previously published as pathogenic or benign to our knowledge; Occurs in the triple helical domain at the X position in the canonical Gly-X-Y repeat; although this variant may have an effect on normal protein folding and function, missense substitution at the X position is not a common mechanism of disease (HGMD)

Labcorp Genetics (formerly Invitae), Labcorp
Classification: Uncertain significance for Ehlers-Danlos syndrome, type 4. Last evaluated: 2025-01-23. Review status: criteria provided, single submitter. Criteria: Invitae Variant Classification Sherloc (09022015). Collection method: clinical testing. Allele origin: germline.
Comment: This sequence change replaces proline, which is neutral and non-polar, with histidine, which is basic and polar, at codon 514 of the COL3A1 protein (p.Pro514His). The frequency data for this variant in the population databases is considered unreliable, as metrics indicate poor data quality at this position in the gnomAD database. This variant has not been reported in the literature in individuals affected with COL3A1-related conditions. ClinVar contains an entry for this variant (Variation ID: 2897936). Invitae Evidence Modeling of protein sequence and biophysical properties (such as structural, functional, and spatial information, amino acid conservation, physicochemical variation, residue mobility, and thermodynamic stability) indicates that this missense variant is not expected to disrupt COL3A1 protein function with a negative predictive value of 95%. In summary, the available evidence is currently insufficient to determine the role of this variant in disease. Therefore, it has been classified as a Variant of Uncertain Significance.